The following is an entry in ClinVar:

ClinVar aggregate classification (germline): Likely benign (1 of 4 stars; one submission).

Conditions:
Hereditary breast ovarian cancer syndrome. Also called: Hereditary breast and ovarian cancer; Hereditary breast and ovarian cancer syndrome (HBOC); Breast and ovarian cancer; Hereditary breast and/or ovarian cancer syndrome; BRCA1- and BRCA2-Associated Hereditary Breast and Ovarian Cancer; Hereditary breast and ovarian cancer syndrome. Identifiers: Orphanet 145, MedGen C0677776, MeSH D061325, MONDO:0003582. Disease mechanism: loss of function.

Submissions (2):

Labcorp Genetics (formerly Invitae), Labcorp
Classification: Likely benign for Hereditary breast ovarian cancer syndrome. Last evaluated: 2025-09-26. Review status: criteria provided, single submitter. Criteria: Invitae Variant Classification Sherloc (09022015). Collection method: clinical testing. Allele origin: germline.

Brotman Baty Institute, University of Washington
No classification provided (evidence only). Condition: Breast-ovarian cancer, familial 1. Review status: no classification provided. Collection method: in vitro. Allele origin: not applicable. Functional consequence: functionally_normal. Not counted in ClinVar's aggregate classification.
ClinVar note: "not provided" was previously submitted as the classification for the variant. However, the classification appeared to be based only on an observation of functional data so it was converted to no classification on 2025-07-30.

NM_007294.4(BRCA1):c.4965T>A (p.Ser1655=)

Gene: BRCA1 (BRCA1 DNA repair associated; minus strand). Cytogenetic location: 17q21.31.
Variant type: single nucleotide variant.
Coding change: c.4965T>A on transcript NM_007294.4 (MANE Select); coding-DNA position 4965, T replaced by A.
Protein change: p.Ser1655=; no amino-acid change (serine 1655 retained).
Molecular consequence: synonymous variant. On other transcripts: intron variant (1).
Genome position (GRCh38, 1-based): chr17:43,070,949, A>T on the plus strand (T>A on the coding strand, the complement: BRCA1 is on the minus strand). VCF-style: chr17-43070949-A-T. GRCh37 (hg19) VCF-style: chr17-41222966-A-T.
Other names: c.4842T>A, p.Ser1614= (NM_001407666.1, NM_001407667.1, NM_001407668.1 and 6 more transcripts); c.4839T>A, p.Ser1613= (NM_001407670.1, NM_001407671.1, NM_001407672.1 and 11 more transcripts); c.4836T>A, p.Ser1612= (NM_001407681.1, NM_001407682.1, NM_001407683.1 and 6 more transcripts); c.4965T>A, p.Ser1655= (NM_001407684.1, NM_001407854.1, NM_001407593.1 and 8 more transcripts); c.4833T>A, p.Ser1611= (NM_001407690.1, NM_001407691.1); c.4824T>A, p.Ser1608= (NM_001407692.1, NM_001407694.1, NM_001407695.1 and 13 more transcripts); c.4821T>A, p.Ser1607= (NM_001407732.1, NM_001407733.1, NM_001407734.1 and 21 more transcripts); c.4818T>A, p.Ser1606= (NM_001407838.1, NM_001407839.1, NM_001407841.1 and 12 more transcripts); and 71 more.
Identifiers: ClinVar variation 868455 (VCV000868455.4), dbSNP rs2052361389, ClinGen allele CA500231558.